The following is an entry in ClinVar:

NM_001363118.2(SLC52A2):c.656C>T (p.Pro219Leu)

Gene: SLC52A2 (solute carrier family 52 member 2; plus strand). Cytogenetic location: 8q24.3.
Variant type: single nucleotide variant.
Coding change: c.656C>T on transcript NM_001363118.2 (MANE Select); coding-DNA position 656, C replaced by T.
Protein change: p.Pro219Leu; replaces proline 219 with leucine.
Molecular consequence: missense variant. On other transcripts: non-coding transcript variant (1).
Genome position (GRCh38, 1-based): chr8:144,360,148, C>T. VCF-style: chr8-144360148-C-T. GRCh37 (hg19) VCF-style: chr8-145583808-C-T.
Other names: c.656C>T, p.Pro219Leu (NM_001253815.2, NM_001253816.2, NM_001363120.2 and 2 more transcripts); c.164C>T, p.Pro55Leu (NM_001363122.2); short protein forms P55L, P219L.
Identifiers: ClinVar variation 837415 (VCV000837415.4), dbSNP rs374006728, ClinGen allele CA4938255.

ClinVar aggregate classification (germline): Uncertain significance (1 of 4 stars; one submission).

Conditions:
Brown-Vialetto-van Laere syndrome 2. Also called: SPINOCEREBELLAR ATAXIA WITH BLINDNESS AND DEAFNESS 2; Riboflavin transporter deficiency type 2. Identifiers: Orphanet 572543, Orphanet 97229, MedGen C3553538, MONDO:0013867, OMIM 614707.

Allele frequency attached by ClinVar (database versions not stated): ExAC 0.00002; gnomAD exomes 0.00002 and 0.00001; gnomAD 0.00001; ESP Exome Variant Server 0.00008; TOPMed 0.00002.
gnomAD v4.1: 14 of 1,612,788 alleles (0.00087%); highest among the groups gnomAD compares: Admixed American, 0.0033%; no homozygotes.

Submission:

Labcorp Genetics (formerly Invitae), Labcorp
Classification: Uncertain significance for Brown-Vialetto-van Laere syndrome 2. Last evaluated: 2022-06-12. Review status: criteria provided, single submitter. Criteria: Invitae Variant Classification Sherloc (09022015). Collection method: clinical testing. Allele origin: germline.
Comment: This sequence change replaces proline, which is neutral and non-polar, with leucine, which is neutral and non-polar, at codon 219 of the SLC52A2 protein (p.Pro219Leu). This variant is present in population databases (rs374006728, gnomAD 0.003%). This variant has not been reported in the literature in individuals affected with SLC52A2-related conditions. ClinVar contains an entry for this variant (Variation ID: 837415). Algorithms developed to predict the effect of missense changes on protein structure and function are either unavailable or do not agree on the potential impact of this missense change (SIFT: "Tolerated"; PolyPhen-2: "Probably Damaging"; Align-GVGD: "Class C0"). In summary, the available evidence is currently insufficient to determine the role of this variant in disease. Therefore, it has been classified as a Variant of Uncertain Significance.